The following is an entry in ClinVar:

NM_001040108.2(MLH3):c.246G>T (p.Gln82His)

Gene: MLH3 (mutL homolog 3; minus strand). Cytogenetic location: 14q24.3.
Variant type: single nucleotide variant.
Coding change: c.246G>T on transcript NM_001040108.2 (MANE Select); coding-DNA position 246, G replaced by T.
Protein change: p.Gln82His; replaces glutamine 82 with histidine.
Molecular consequence: missense variant.
Genome position (GRCh38, 1-based): chr14:75,049,410, C>A on the plus strand (G>T on the coding strand, the complement: MLH3 is on the minus strand). VCF-style: chr14-75049410-C-A. GRCh37 (hg19) VCF-style: chr14-75516113-C-A.
Other names: c.246G>T, p.Gln82His (NM_014381.3); short protein forms Q82H.
Identifiers: ClinVar variation 2448640 (VCV002448640.2), dbSNP rs1407041352, ClinGen allele CA390451260.

ClinVar aggregate classification (germline): Uncertain significance (1 of 4 stars; one submission).

gnomAD v4.1: 1 of 1,614,110 alleles (0.000062%); highest among the groups gnomAD compares: Non-Finnish European, 0.000085%; no homozygotes.

Submission:

Ambry Genetics
Classification: Uncertain significance. Last evaluated: 2022-12-31. Review status: criteria provided, single submitter. Criteria: Ambry Variant Classification Scheme 2023. Collection method: clinical testing. Allele origin: germline.
Comment: The p.Q82H variant (also known as c.246G>T), located in coding exon 1 of the MLH3 gene, results from a G to T substitution at nucleotide position 246. The glutamine at codon 82 is replaced by histidine, an amino acid with highly similar properties. This amino acid position is conserved. In addition, this alteration is predicted to be tolerated by in silico analysis. Since supporting evidence is limited at this time, the clinical significance of this alteration remains unclear.